The following is an entry in ClinVar:

NM_174903.6(RNF151):c.149+8C>T

Gene: RNF151 (ring finger protein 151; plus strand). Cytogenetic location: 16p13.3.
Variant type: single nucleotide variant.
Coding change: c.149+8C>T on transcript NM_174903.6 (MANE Select); 8 bases into the intron after coding-DNA position 149, C replaced by T.
Molecular consequence: intron variant.
Genome position (GRCh38, 1-based): chr16:1,967,427, C>T. VCF-style: chr16-1967427-C-T. GRCh37 (hg19) VCF-style: chr16-2017428-C-T.
Other names: NC_000016.9:g.2017428C>T; c.149+8C>T (NM_001348711.2).
Identifiers: ClinVar variation 2645955 (VCV002645955.25), dbSNP rs200022272, ClinGen allele CA7824047.

ClinVar aggregate classification (germline): Likely benign (1 of 4 stars; one submission).

Allele frequency attached by ClinVar (database versions not stated): 1000 Genomes Project 30x 0.00156; 1000 Genomes Project 0.00200; TOPMed 0.00311; ESP Exome Variant Server 0.00326; gnomAD 0.00359; ExAC 0.00442; gnomAD exomes 0.00480.

Submissions (3):

CeGaT Center for Human Genetics Tuebingen
Classification: Likely benign. Last evaluated: 2023-03-01. Review status: criteria provided, single submitter. Criteria: CeGaT Center For Human Genetics Tuebingen Variant Classification Criteria Version 2. Collection method: clinical testing. Allele origin: germline. Affected: yes. Observed: 1 variant allele.
Comment: RNF151: BS2

Dr. Peter K. Rogan Lab, Western University
No classification provided (evidence only). Condition: Familial cancer of breast. Review status: no classification provided. Collection method: in vitro. Allele origin: not applicable. Functional consequence: retained intron. Not counted in ClinVar's aggregate classification.

Dr. Peter K. Rogan Lab, Western University
No classification provided (evidence only). Condition: Cholangiocarcinoma. Review status: no classification provided. Collection method: in vitro. Allele origin: not applicable. Functional consequence: retained intron. Not counted in ClinVar's aggregate classification.